The following is an entry in ClinVar:

NM_000245.4(MET):c.3065G>A (p.Arg1022Gln)

Gene: MET (MET proto-oncogene, receptor tyrosine kinase; plus strand). Cytogenetic location: 7q31.2.
Variant type: single nucleotide variant.
Coding change: c.3065G>A on transcript NM_000245.4 (MANE Select); coding-DNA position 3065, G replaced by A.
Protein change: p.Arg1022Gln; replaces arginine 1022 with glutamine.
Molecular consequence: missense variant.
Genome position (GRCh38, 1-based): chr7:116,774,917, G>A. VCF-style: chr7-116774917-G-A. GRCh37 (hg19) VCF-style: chr7-116414971-G-A.
Other names: c.3119G>A (LRG_662t1, NM_001127500.2); c.3119G>A, p.Arg1040Gln (NM_001127500.3); c.1775G>A, p.Arg592Gln (NM_001324402.2); short protein forms R1040Q, R1022Q, R592Q.
Identifiers: ClinVar variation 188288 (VCV000188288.22), dbSNP rs45612435, ClinGen allele CA334531.

ClinVar aggregate classification (germline): Conflicting classifications of pathogenicity. Review status: criteria provided, conflicting classifications (1 of 4 stars). 5 submissions from 5 submitters: Uncertain significance (1); Benign (1); Likely benign (3). Last evaluated 2026-01-25.

Conditions:
MET-related disorder. Also called: MET-related condition.
Renal cell carcinoma. Identifiers: Orphanet 217071, MedGen C0007134, MeSH D002292, MONDO:0005086, HP:0005584.
Hereditary cancer-predisposing syndrome. Also called: Neoplastic Syndromes, Hereditary; Tumor predisposition; Hereditary neoplastic syndrome; Hereditary Cancer Syndrome. Identifiers: Orphanet 140162, MedGen C0027672, MeSH D009386, MONDO:0015356.
Papillary renal cell carcinoma type 1 (RCCP1). Also called: Renal adenocarcinoma; Renal cell carcinoma 1; Renal cell carcinoma, somatic; RENAL CELL CARCINOMA, PAPILLARY, 1, SOMATIC. Identifiers: Orphanet 47044, MedGen C1336839, OMIM 605074, HP:0011797.

Allele frequency attached by ClinVar (database versions not stated): gnomAD 0.00005 and 0.00008; TOPMed 0.00007; 1000 Genomes Project 0.00060; 1000 Genomes Project 30x 0.00062.
gnomAD v4.1: 99 of 1,613,978 alleles (0.0061%); highest among the groups gnomAD compares: East Asian, 0.18%; no homozygotes.

Submissions (5):

Labcorp Genetics (formerly Invitae), Labcorp
Classification: Likely benign for Renal cell carcinoma. Last evaluated: 2026-01-25. Review status: criteria provided, single submitter. Criteria: Invitae Variant Classification Sherloc (09022015). Collection method: clinical testing. Allele origin: germline.

Dasa
Classification: Uncertain significance. Last evaluated: 2025-06-09. Review status: criteria provided, single submitter. Criteria: DASA Assertion Criteria. Collection method: clinical testing. Allele origin: germline.
Comment: NM_000245.4(MET):c.3065G>A (p.Arg1022Gln) is a missense variant that results in the substitution of arginine with glutamine. This classification is supported by population frequency inconsistent with a disease-causing role. The currently available literature and clinical evidence are not sufficient to establish a definitive association between this variant and the reported condition. Therefore, this variant is classified as a variant of uncertain significance.

PreventionGenetics, part of Exact Sciences
Classification: Likely benign for MET-related condition. Last evaluated: 2025-05-27. Review status: criteria provided, single submitter. Criteria: ACMG Guidelines, 2015. Collection method: clinical testing. Allele origin: germline.
Comment: This variant is classified as likely benign based on ACMG/AMP sequence variant interpretation guidelines (Richards et al. 2015 PMID: 25741868, with internal and published modifications).

Ambry Genetics
Classification: Likely benign for Hereditary cancer-predisposing syndrome. Last evaluated: 2020-11-09. Review status: criteria provided, single submitter. Criteria: Ambry Variant Classification Scheme 2023. Collection method: clinical testing. Allele origin: germline.

Illumina Laboratory Services, Illumina
Classification: Benign for Papillary renal cell carcinoma type 1. Last evaluated: 2018-04-20. Review status: criteria provided, single submitter. Criteria: ICSL Variant Classification Criteria 13 December 2019. Collection method: clinical testing. Allele origin: germline.
Comment: This variant was observed in the ICSL laboratory as part of a predisposition screen in an ostensibly healthy population. It had not been previously curated by ICSL or reported in the Human Gene Mutation Database (HGMD: prior to June 1st, 2018), and was therefore a candidate for classification through an automated scoring system. Utilizing variant allele frequency, disease prevalence and penetrance estimates, and inheritance mode, an automated score was calculated to assess if this variant is too frequent to cause the disease. Based on the score and internal cut-off values, a variant classified as benign is not then subjected to further curation. The score for this variant resulted in a classification of benign for this disease.